The following is an entry in ClinVar:

ClinVar aggregate classification (germline): Uncertain significance (1 of 4 stars; one submission).

Submission:

CeGaT Center for Human Genetics Tuebingen
Classification: Uncertain significance. Last evaluated: 2024-10-01. Review status: criteria provided, single submitter. Criteria: CeGaT Center For Human Genetics Tuebingen Variant Classification Criteria Version 2. Collection method: clinical testing. Allele origin: germline. Affected: yes. Observed: 1 variant allele.
Comment: FASN: PM2, PP3

NM_004104.5(FASN):c.454G>T (p.Gly152Trp)

Gene: FASN (fatty acid synthase; minus strand). Cytogenetic location: 17q25.3.
Variant type: single nucleotide variant.
Coding change: c.454G>T on transcript NM_004104.5 (MANE Select); coding-DNA position 454, G replaced by T.
Protein change: p.Gly152Trp; replaces glycine 152 with tryptophan.
Molecular consequence: missense variant.
Genome position (GRCh38, 1-based): chr17:82,093,598, C>A on the plus strand (G>T on the coding strand, the complement: FASN is on the minus strand). VCF-style: chr17-82093598-C-A. GRCh37 (hg19) VCF-style: chr17-80051474-C-A.
Other names: short protein forms G152W.
Identifiers: ClinVar variation 3389956 (VCV003389956.14).